The following is an entry in ClinVar:

NM_001083961.2(WDR62):c.700-18C>T

Gene: WDR62 (WD repeat domain 62; plus strand). Cytogenetic location: 19q13.12.
Variant type: single nucleotide variant.
Coding change: c.700-18C>T on transcript NM_001083961.2 (MANE Select); 18 bases into the intron before coding-DNA position 700, C replaced by T.
Molecular consequence: intron variant.
Genome position (GRCh38, 1-based): chr19:36,067,810, C>T. VCF-style: chr19-36067810-C-T. GRCh37 (hg19) VCF-style: chr19-36558712-C-T.
Other names: c.700-18C>T (NM_173636.5).
Identifiers: ClinVar variation 137906 (VCV000137906.23), dbSNP rs10423651, ClinGen allele CA173946.

ClinVar aggregate classification (germline): Benign. Review status: criteria provided, multiple submitters, no conflicts (2 of 4 stars). 10 submissions from 10 submitters: Benign (7). 3 of the submissions do not count toward it. Last evaluated 2026-02-03.

Conditions:
Microcephaly 2, primary, autosomal recessive, with or without cortical malformations. Also called: WDR62 Primary Microcephaly; MICROCEPHALY 2, PRIMARY, AUTOSOMAL RECESSIVE, WITH CORTICAL MALFORMATIONS. Identifiers: Orphanet 2512, MedGen C1858535, MONDO:0011435, OMIM 604317.

Allele frequency attached by ClinVar (database versions not stated): 1000 Genomes Project 30x 0.24204; 1000 Genomes Project 0.24980; TOPMed 0.27483; gnomAD exomes 0.28053 and 0.30452; ExAC 0.28089; gnomAD 0.28516 and 0.28763; ESP Exome Variant Server 0.28771.
gnomAD v4.1: 486,775 of 1,612,366 alleles (30%); highest among the groups gnomAD compares: Non-Finnish European, 32%; 75,105 homozygotes.

Submissions (10):

Labcorp Genetics (formerly Invitae), Labcorp
Classification: Benign. Last evaluated: 2026-02-03. Review status: criteria provided, single submitter. Criteria: Invitae Variant Classification Sherloc (09022015). Collection method: clinical testing. Allele origin: germline.

Blueprint Genetics
Classification: Benign. Last evaluated: 2024-11-28. Review status: criteria provided, single submitter. Criteria: ACMG Guidelines, 2015. Collection method: clinical testing. Allele origin: germline.

Genome-Nilou Lab
Classification: Benign for Microcephaly 2, primary, autosomal recessive, with or without cortical malformations. Last evaluated: 2021-12-05. Review status: criteria provided, single submitter. Criteria: ACMG Guidelines, 2015. Collection method: clinical testing. Allele origin: germline. Affected: no.

Clinical Genetics DNA and cytogenetics Diagnostics Lab, Erasmus MC, Erasmus Medical Center
Classification: Benign for Microcephaly 2, primary, autosomal recessive, with or without cortical malformations. Last evaluated: 2015-09-21. Review status: criteria provided, single submitter. Criteria: ACGS Guidelines, 2013. Collection method: clinical testing. Allele origin: germline. Affected: yes. Study: VKGL Data-share Consensus.

GeneDx
Classification: Benign. Last evaluated: 2013-12-18. Review status: criteria provided, single submitter. Criteria: GeneDx Variant Classification (06012015). Collection method: clinical testing. Allele origin: germline. Affected: yes.
Comment: This variant is considered likely benign or benign based on one or more of the following criteria: it is a conservative change, it occurs at a poorly conserved position in the protein, it is predicted to be benign by multiple in silico algorithms, and/or has population frequency not consistent with disease.

Breakthrough Genomics
Classification: Benign. Review status: criteria provided, single submitter. Criteria: ACMG Guidelines, 2015. Collection method: not provided. Allele origin: germline. Inheritance: Autosomal recessive inheritance. Affected: yes.

PreventionGenetics, part of Exact Sciences
Classification: Benign. Review status: criteria provided, single submitter. Criteria: ACMG Guidelines, 2015. Collection method: clinical testing. Allele origin: germline.

Diagnostic Laboratory, Department of Genetics, University Medical Center Groningen
Classification: Benign for Microcephaly 2, primary, autosomal recessive, with or without cortical malformations. Review status: no assertion criteria provided. Collection method: clinical testing. Allele origin: germline. Affected: yes. Study: VKGL Data-share Consensus. Not counted in ClinVar's aggregate classification.

Genetic Services Laboratory, University of Chicago
Classification: Likely benign. Review status: no assertion criteria provided. Collection method: clinical testing. Allele origin: germline. Inheritance: Autosomal recessive inheritance. Not counted in ClinVar's aggregate classification.
Comment: Likely benign based on allele frequency in 1000 Genomes Project or ESP global frequency and its presence in a patient with a rare or unrelated disease phenotype. NOT Sanger confirmed

Joint Genome Diagnostic Labs from Nijmegen and Maastricht, Radboudumc and MUMC+
Classification: Benign. Review status: no assertion criteria provided. Collection method: clinical testing. Allele origin: germline. Affected: yes. Study: VKGL Data-share Consensus. Not counted in ClinVar's aggregate classification.